The following is an entry in ClinVar:

ClinVar aggregate classification (germline): Benign (1 of 4 stars; one submission).

Submission:

GeneDx
Classification: Benign. Last evaluated: 2018-06-16. Review status: criteria provided, single submitter. Criteria: GeneDx Variant Classification (06012015). Collection method: clinical testing. Allele origin: germline. Affected: yes.
Comment: This variant is considered likely benign or benign based on one or more of the following criteria: it is a conservative change, it occurs at a poorly conserved position in the protein, it is predicted to be benign by multiple in silico algorithms, and/or has population frequency not consistent with disease.

NM_025243.4(SLC19A3):c.1172+273_1172+277del

Gene: SLC19A3 (solute carrier family 19 member 3; minus strand). Cytogenetic location: 2q36.3.
Variant type: Deletion.
Coding change: c.1172+273_1172+277del on transcript NM_025243.4 (MANE Select); bases 273 to 277 of the intron after coding-DNA position 1172, 5 bases deleted (ATTTT; older notation c.1172+273_1172+277delATTTT).
Molecular consequence: intron variant.
Genome position (GRCh38, 1-based): chr2:227,695,612-227,695,616, AAAAT deleted on the plus strand (ATTTT on the coding strand, the reverse complement: SLC19A3 is on the minus strand); deleting any 5 consecutive bases within chr2:227,695,612-227,695,620 gives the same sequence; the c. name uses the placement nearest the transcript's 3' end. VCF-style (leftmost placement, unchanged base first): chr2-227695611-CAAAAT-C. GRCh37 (hg19) VCF-style: chr2-228560327-CAAAAT-C.
Other names: c.1160+273_1160+277del (NM_001371413.1, NM_001371414.1); c.1172+273_1172+277del (NM_001371411.1, NM_001371412.1).
Identifiers: ClinVar variation 673776 (VCV000673776.1), dbSNP rs140315029, ClinGen allele CA66658679.